The following is an entry in ClinVar:

ClinVar aggregate classification (germline): Uncertain significance. Review status: criteria provided, multiple submitters, no conflicts (2 of 4 stars). 3 submissions from 3 submitters: Uncertain significance (3). Last evaluated 2024-05-15.

Conditions:
Pancreatic cancer, susceptibility to, 1. Identifiers: Orphanet 1333, MedGen C1847351, MONDO:0011739, OMIM 606856.

Allele frequency attached by ClinVar (database versions not stated): ExAC 0.00001; gnomAD exomes 0.00001 and 0.00002; TOPMed 0.00001; gnomAD 0.00002 and 0.00003; ESP Exome Variant Server 0.00008.

Submissions (3):

Fulgent Genetics
Classification: Uncertain significance for Pancreatic cancer, susceptibility to, 1. Last evaluated: 2024-05-15. Review status: criteria provided, single submitter. Criteria: ACMG Guidelines, 2015. Collection method: clinical testing. Allele origin: germline.

Ambry Genetics
Classification: Uncertain significance. Last evaluated: 2023-03-27. Review status: criteria provided, single submitter. Criteria: Ambry Variant Classification Scheme 2023. Collection method: clinical testing. Allele origin: germline.
Comment: The p.R287Q variant (also known as c.860G>A), located in coding exon 1 of the PALLD gene, results from a G to A substitution at nucleotide position 860. The arginine at codon 287 is replaced by glutamine, an amino acid with highly similar properties. This amino acid position is conserved. In addition, this alteration is predicted to be tolerated by in silico analysis. Since supporting evidence is limited at this time, the clinical significance of this alteration remains unclear.

Illumina Laboratory Services, Illumina
Classification: Uncertain significance for Pancreatic cancer, susceptibility to, 1. Last evaluated: 2018-01-13. Review status: criteria provided, single submitter. Criteria: ICSL Variant Classification Criteria 13 December 2019. Collection method: clinical testing. Allele origin: germline.

NM_001166108.2(PALLD):c.860G>A (p.Arg287Gln)

Gene: PALLD (palladin, cytoskeletal associated protein; plus strand). Cytogenetic location: 4q32.3.
Variant type: single nucleotide variant.
Coding change: c.860G>A on transcript NM_001166108.2 (MANE Select); coding-DNA position 860, G replaced by A.
Protein change: p.Arg287Gln; replaces arginine 287 with glutamine.
Molecular consequence: missense variant.
Genome position (GRCh38, 1-based): chr4:168,512,364, G>A. VCF-style: chr4-168512364-G-A. GRCh37 (hg19) VCF-style: chr4-169433515-G-A.
Other names: c.860G>A (NM_016081.3); c.860G>A, p.Arg287Gln (NM_016081.4); short protein forms R287Q.
Identifiers: ClinVar variation 902099 (VCV000902099.7), dbSNP rs141283998, ClinGen allele CA3135444.